The following is an entry in ClinVar:

NM_000037.4(ANK1):c.1723G>C (p.Val575Leu)

Genes: ANK1 (ankyrin 1; minus strand), LOC126860369 (BRD4-independent group 4 enhancer GRCh37_chr8:41570734-41571933; plus strand). Cytogenetic location: 8p11.21.
Variant type: single nucleotide variant.
Coding change: c.1723G>C on transcript NM_000037.4 (MANE Select); coding-DNA position 1723, G replaced by C.
Protein change: p.Val575Leu; replaces valine 575 with leucine.
Molecular consequence: missense variant.
Genome position (GRCh38, 1-based): chr8:41,714,233, C>G on the plus strand (G>C on the coding strand, the complement: ANK1 is on the minus strand). VCF-style: chr8-41714233-C-G. GRCh37 (hg19) VCF-style: chr8-41571751-C-G.
Other names: c.1723G>C, p.Val575Leu (NM_020477.3, NM_020475.3, NM_020476.3); c.1822G>C, p.Val608Leu (NM_001142446.2); short protein forms V608L, V575L.
Identifiers: ClinVar variation 3690348 (VCV003690348.2).

ClinVar aggregate classification (germline): Uncertain significance (1 of 4 stars; one submission).

gnomAD v4.1: 1 of 1,544,960 alleles (0.000065%); highest among the groups gnomAD compares: Non-Finnish European, 0.000088%; no homozygotes.

Submission:

Labcorp Genetics (formerly Invitae), Labcorp
Classification: Uncertain significance. Last evaluated: 2025-08-15. Review status: criteria provided, single submitter. Criteria: Invitae Variant Classification Sherloc (09022015). Collection method: clinical testing. Allele origin: germline.
Comment: This sequence change replaces valine, which is neutral and non-polar, with leucine, which is neutral and non-polar, at codon 575 of the ANK1 protein (p.Val575Leu). This variant is present in population databases (rs151219976, gnomAD 0.001%). This variant has not been reported in the literature in individuals affected with ANK1-related conditions. ClinVar contains an entry for this variant (Variation ID: 3690348). Invitae Evidence Modeling of protein sequence and biophysical properties (such as structural, functional, and spatial information, amino acid conservation, physicochemical variation, residue mobility, and thermodynamic stability) indicates that this missense variant is not expected to disrupt ANK1 protein function with a negative predictive value of 80%. In summary, the available evidence is currently insufficient to determine the role of this variant in disease. Therefore, it has been classified as a Variant of Uncertain Significance.